The following is an entry in ClinVar:

ClinVar aggregate classification (germline): Uncertain significance (1 of 4 stars; one submission).

Submission:

GeneDx
Classification: Uncertain significance. Last evaluated: 2025-02-21. Review status: criteria provided, single submitter. Criteria: GeneDx Variant Classification Process June 2021. Collection method: clinical testing. Allele origin: germline. Affected: yes.
Comment: Not observed at significant frequency in large population cohorts (gnomAD); In silico analysis supports that this missense variant has a deleterious effect on protein structure/function; Has not been previously published as pathogenic or benign to our knowledge

NM_014112.5(TRPS1):c.3689G>A (p.Cys1230Tyr)

Gene: TRPS1 (transcriptional repressor GATA binding 1; minus strand). Cytogenetic location: 8q23.3.
Variant type: single nucleotide variant.
Coding change: c.3689G>A on transcript NM_014112.5 (MANE Select); coding-DNA position 3689, G replaced by A.
Protein change: p.Cys1230Tyr; replaces cysteine 1230 with tyrosine.
Molecular consequence: missense variant.
Genome position (GRCh38, 1-based): chr8:115,414,219, C>T on the plus strand (G>A on the coding strand, the complement: TRPS1 is on the minus strand). VCF-style: chr8-115414219-C-T. GRCh37 (hg19) VCF-style: chr8-116426447-C-T.
Other names: c.3662G>A, p.Cys1221Tyr (NM_001282902.3); c.3668G>A, p.Cys1223Tyr (NM_001282903.3); c.3650G>A, p.Cys1217Tyr (NM_001330599.2); short protein forms C1217Y, C1221Y, C1223Y, C1230Y.
Identifiers: ClinVar variation 4076584 (VCV004076584.1).